The following is an entry in ClinVar:

ClinVar aggregate classification (germline): Uncertain significance. Review status: criteria provided, multiple submitters, no conflicts (2 of 4 stars). 2 submissions from 2 submitters: Uncertain significance (2). Last evaluated 2025-08-14.

Conditions:
Inborn genetic diseases. Identifiers: MedGen C0950123, MeSH D030342.

Allele frequency attached by ClinVar (database versions not stated): 1000 Genomes Project 0.00040; 1000 Genomes Project 30x 0.00047; ExAC 0.00005; ESP Exome Variant Server 0.00008; gnomAD exomes 0.00008 and 0.00012; gnomAD 0.00021 and 0.00022.
gnomAD v4.1: 220 of 1,614,144 alleles (0.014%); highest among the groups gnomAD compares: Admixed American, 0.053%; no homozygotes.

Submissions (2):

Ambry Genetics
Classification: Uncertain significance for Inborn genetic diseases. Last evaluated: 2025-08-14. Review status: criteria provided, single submitter. Criteria: Ambry Variant Classification Scheme 2023. Collection method: clinical testing. Allele origin: germline.

Labcorp Genetics (formerly Invitae), Labcorp
Classification: Uncertain significance. Last evaluated: 2025-01-13. Review status: criteria provided, single submitter. Criteria: Invitae Variant Classification Sherloc (09022015). Collection method: clinical testing. Allele origin: germline.
Comment: This sequence change replaces arginine, which is basic and polar, with threonine, which is neutral and polar, at codon 108 of the FERMT1 protein (p.Arg108Thr). This variant is present in population databases (rs201129798, gnomAD 0.02%). This variant has not been reported in the literature in individuals affected with FERMT1-related conditions. ClinVar contains an entry for this variant (Variation ID: 1349211). Invitae Evidence Modeling of protein sequence and biophysical properties (such as structural, functional, and spatial information, amino acid conservation, physicochemical variation, residue mobility, and thermodynamic stability) indicates that this missense variant is not expected to disrupt FERMT1 protein function with a negative predictive value of 80%. In summary, the available evidence is currently insufficient to determine the role of this variant in disease. Therefore, it has been classified as a Variant of Uncertain Significance.

NM_017671.5(FERMT1):c.323G>C (p.Arg108Thr)

Gene: FERMT1 (FERM domain containing kindlin 1; minus strand). Cytogenetic location: 20p12.3.
Variant type: single nucleotide variant.
Coding change: c.323G>C on transcript NM_017671.5 (MANE Select); coding-DNA position 323, G replaced by C.
Protein change: p.Arg108Thr; replaces arginine 108 with threonine.
Molecular consequence: missense variant.
Genome position (GRCh38, 1-based): chr20:6,115,873, C>G on the plus strand (G>C on the coding strand, the complement: FERMT1 is on the minus strand). VCF-style: chr20-6115873-C-G. GRCh37 (hg19) VCF-style: chr20-6096520-C-G.
Other names: c.323G>C (NM_017671.4); short protein forms R108T.
Identifiers: ClinVar variation 1349211 (VCV001349211.5), dbSNP rs201129798, ClinGen allele CA9758490.